The following is an entry in ClinVar:

ClinVar aggregate classification (germline): Pathogenic/Likely pathogenic. Review status: criteria provided, multiple submitters, no conflicts (2 of 4 stars). 2 submissions from 2 submitters: Pathogenic (1); Likely pathogenic (1). Last evaluated 2025-05-07.

Conditions:
Methylmalonic aciduria due to complete methylmalonyl-CoA mutase deficiency.
Methylmalonic aciduria due to methylmalonyl-CoA mutase deficiency (MAMM). Also called: Methylmalonic aciduria, mut type. Identifiers: Orphanet 27, MedGen C1855114, MONDO:0009612, OMIM 251000.

Submissions (2):

Natera, Inc.
Classification: Likely pathogenic for Methylmalonic aciduria due to complete methylmalonyl-CoA mutase deficiency. Last evaluated: 2025-05-07. Review status: criteria provided, single submitter. Criteria: Natera Variant Classification Schema (03/2026). Collection method: clinical testing. Allele origin: germline.
Comment: The c.1147C>T variant in MMUT is a nonsense variant predicted to introduce a stop codon at amino acid 383. This variant is expected to result in nonsense mediated decay, truncation, or a dysfunctional protein product. This variant is rare in the general population with a frequency below the threshold expected for the associated phenotype(s). Given the available evidence, this variant is classified as Likely Pathogenic.

Myriad Genetics, Inc.
Classification: Pathogenic for Methylmalonic aciduria due to methylmalonyl-CoA mutase deficiency. Last evaluated: 2023-11-22. Review status: criteria provided, single submitter. Criteria: Myriad Autosomal Dominant, Autosomal Recessive and X-Linked Classification Criteria (2023). Collection method: clinical testing. Allele origin: unknown.
Comment: NM_000255.3(MMUT):c.1147C>T(Q383*) is expected to be pathogenic in the context of methylmalonic acidemia, MMUT-related. This variant is predicted to lead to an abnormal or absent protein product due to the creation of a premature termination codon in MMUT, a gene where loss-of-function variants are known to be pathogenic. Please note: this variant was assessed in the context of healthy population screening.

NM_000255.4(MMUT):c.1147C>T (p.Gln383Ter)

Gene: MMUT (methylmalonyl-CoA mutase; minus strand). Cytogenetic location: 6p12.3.
Variant type: single nucleotide variant.
Coding change: c.1147C>T on transcript NM_000255.4 (MANE Select); coding-DNA position 1147, C replaced by T.
Protein change: p.Gln383Ter; replaces glutamine 383 with a stop codon.
Molecular consequence: nonsense.
Genome position (GRCh38, 1-based): chr6:49,451,651, G>A on the plus strand (C>T on the coding strand, the complement: MMUT is on the minus strand). VCF-style: chr6-49451651-G-A. GRCh37 (hg19) VCF-style: chr6-49419364-G-A.
Other names: short protein forms Q383*.
Identifiers: ClinVar variation 4058072 (VCV004058072.3).
Genomic context (GRCh38, chr6:49,451,651, plus strand): 5'-GAGCACTTTTCACAGTTGGCAAACCCAAAGCTTCATCAAAAGAATTTGTGTGCAAAGACT[G>A]AGTCCCTCCAAATACTGCTGCCATTGCTTCTATTGCAGTACGGACAATATTATTGTAGGG-3'